The following is an entry in ClinVar:

NM_005529.7(HSPG2):c.1168G>A (p.Glu390Lys)

Gene: HSPG2 (heparan sulfate proteoglycan 2; minus strand). Cytogenetic location: 1p36.12.
Variant type: single nucleotide variant.
Coding change: c.1168G>A on transcript NM_005529.7 (MANE Select); coding-DNA position 1168, G replaced by A.
Protein change: p.Glu390Lys; replaces glutamic acid 390 with lysine.
Molecular consequence: missense variant.
Genome position (GRCh38, 1-based): chr1:21,885,362, C>T on the plus strand (G>A on the coding strand, the complement: HSPG2 is on the minus strand). VCF-style: chr1-21885362-C-T. GRCh37 (hg19) VCF-style: chr1-22211855-C-T.
Other names: c.1168G>A, p.Glu390Lys (NM_001291860.2); short protein forms E390K.
Identifiers: ClinVar variation 4084924 (VCV004084924.8).

ClinVar aggregate classification (germline): Uncertain significance (1 of 4 stars; one submission).

gnomAD v4.1: 10 of 1,614,036 alleles (0.00062%); highest among the groups gnomAD compares: African/African-American, 0.0013%; no homozygotes.

Submission:

CeGaT Center for Human Genetics Tuebingen
Classification: Uncertain significance. Last evaluated: 2025-07-01. Review status: criteria provided, single submitter. Criteria: CeGaT Center For Human Genetics Tuebingen Variant Classification Criteria Version 2. Collection method: clinical testing. Allele origin: germline. Affected: yes. Observed: 1 variant allele.
Comment: HSPG2: PM2